The following is an entry in ClinVar:

ClinVar aggregate classification (germline): Uncertain significance. Review status: criteria provided, multiple submitters, no conflicts (2 of 4 stars). 2 submissions from 2 submitters: Uncertain significance (2). Last evaluated 2023-08-04.

Allele frequency attached by ClinVar (database versions not stated): gnomAD 0.00001 and 0.00002; TOPMed 0.00002; ExAC 0.00005; gnomAD exomes 0.00006.

Submissions (2):

Labcorp Genetics (formerly Invitae), Labcorp
Classification: Uncertain significance. Last evaluated: 2023-08-04. Review status: criteria provided, single submitter. Criteria: Invitae Variant Classification Sherloc (09022015). Collection method: clinical testing. Allele origin: germline.
Comment: This sequence change replaces methionine, which is neutral and non-polar, with arginine, which is basic and polar, at codon 524 of the SBF1 protein (p.Met524Arg). This variant is present in population databases (rs753941615, gnomAD 0.02%). This variant has not been reported in the literature in individuals affected with SBF1-related conditions. ClinVar contains an entry for this variant (Variation ID: 1431034). Advanced modeling of protein sequence and biophysical properties (such as structural, functional, and spatial information, amino acid conservation, physicochemical variation, residue mobility, and thermodynamic stability) performed at Invitae indicates that this missense variant is not expected to disrupt SBF1 protein function. In summary, the available evidence is currently insufficient to determine the role of this variant in disease. Therefore, it has been classified as a Variant of Uncertain Significance.

Breakthrough Genomics
Classification: Uncertain significance. Review status: criteria provided, single submitter. Criteria: ACMG Guidelines, 2015. Collection method: not provided. Allele origin: germline. Inheritance: Autosomal dominant inheritance. Affected: yes.

NM_002972.4(SBF1):c.1571T>G (p.Met524Arg)

Gene: SBF1 (SET binding factor 1; minus strand). Cytogenetic location: 22q13.33.
Variant type: single nucleotide variant.
Coding change: c.1571T>G on transcript NM_002972.4 (MANE Select); coding-DNA position 1571, T replaced by G.
Protein change: p.Met524Arg; replaces methionine 524 with arginine.
Molecular consequence: missense variant.
Genome position (GRCh38, 1-based): chr22:50,464,599, A>C on the plus strand (T>G on the coding strand, the complement: SBF1 is on the minus strand). VCF-style: chr22-50464599-A-C. GRCh37 (hg19) VCF-style: chr22-50903028-A-C.
Other names: c.1574T>G, p.Met525Arg (NM_001365819.1); short protein forms M524R, M525R.
Identifiers: ClinVar variation 1431034 (VCV001431034.5), dbSNP rs753941615, ClinGen allele CA10317612.
Genomic context (GRCh38, chr22:50,464,599, plus strand): 5'-GGGGGCCCTGAGGGCACGGTGGTCCTCCTCTCGGCCTTCACAGCTGGGGGTGCACCCTGC[A>C]TCTTGGCTGCAGCCTGGTCCACGATCCACTGCACGGTGCCCTCATCCAGCCGGGGGAAGG-3'
Protein context (NP_002963.2, residues 514-534): QWIVDQAAAK[Met524Arg]QGAPPAVKAE